The following is an entry in ClinVar:

NM_005506.4(SCARB2):c.1043G>A (p.Arg348Lys)

Gene: SCARB2 (scavenger receptor class B member 2; minus strand). Cytogenetic location: 4q21.1.
Variant type: single nucleotide variant.
Coding change: c.1043G>A on transcript NM_005506.4 (MANE Select); coding-DNA position 1043, G replaced by A.
Protein change: p.Arg348Lys; replaces arginine 348 with lysine.
Molecular consequence: missense variant.
Genome position (GRCh38, 1-based): chr4:76,169,937, C>T on the plus strand (G>A on the coding strand, the complement: SCARB2 is on the minus strand). VCF-style: chr4-76169937-C-T. GRCh37 (hg19) VCF-style: chr4-77091090-C-T.
Other names: c.614G>A, p.Arg205Lys (NM_001204255.2); short protein forms R205K, R348K.
Identifiers: ClinVar variation 1410809 (VCV001410809.8), dbSNP rs1435706864, ClinGen allele CA357314721.
Genomic context (GRCh38, chr4:76,169,937, plus strand): 5'-TCCACAAATGTCTCATGGTCTTCCTGATTTGGGTGCATGCCTTCTATGGCAGAAACAAAC[C>T]TCTCATCTGCTTGGTAAAAGTGTGGGAAAGACATAATGATGGGTGCACCTGCATTTGAAG-3'
Protein context (NP_005497.1, residues 338-358): SFPHFYQADE[Arg348Lys]FVSAIEGMHP

ClinVar aggregate classification (germline): Uncertain significance (1 of 4 stars; one submission).

Conditions:
Progressive myoclonic epilepsy. Also called: Familial progressive myoclonic epilepsy; Progressive myoclonus epilepsy; Myoclonic Epilepsies, Progressive; Myoclonus epilepsy. Identifiers: Orphanet 308, Orphanet 98261, MedGen C0751778, MONDO:0020074.

Allele frequency attached by ClinVar (database versions not stated): gnomAD exomes below 0.00001.
gnomAD v4.1: 2 of 1,614,016 alleles (0.00012%); no homozygotes.

Submission:

Labcorp Genetics (formerly Invitae), Labcorp
Classification: Uncertain significance for Progressive myoclonic epilepsy. Last evaluated: 2022-07-12. Review status: criteria provided, single submitter. Criteria: Invitae Variant Classification Sherloc (09022015). Collection method: clinical testing. Allele origin: germline.
Comment: This variant has not been reported in the literature in individuals affected with SCARB2-related conditions. In summary, the available evidence is currently insufficient to determine the role of this variant in disease. Therefore, it has been classified as a Variant of Uncertain Significance. Algorithms developed to predict the effect of missense changes on protein structure and function output the following: SIFT: "Tolerated"; PolyPhen-2: "Benign"; Align-GVGD: "Class C0". The lysine amino acid residue is found in multiple mammalian species, which suggests that this missense change does not adversely affect protein function. ClinVar contains an entry for this variant (Variation ID: 1410809). This variant is present in population databases (no rsID available, gnomAD no frequency). This sequence change replaces arginine, which is basic and polar, with lysine, which is basic and polar, at codon 348 of the SCARB2 protein (p.Arg348Lys).